The following is an entry in ClinVar:

NM_006785.4(MALT1):c.1661_1662insTTTTTTTTTTTTTTTTTNNNNNNNNNNGGCAGGGAGGTTGCAGTGAGCCGAGATGGCAGCAGTACAGTCCAGCTTCGGCTCCGCATGAGAGGGAGACCGTGGGGAGAGGGAGACAGAGCTCGAAGTAGTTT (p.Leu554delinsPhePhePhePhePhePheXaaXaaXaaXaaAlaGlyArgLeuGlnTer)

Gene: MALT1 (MALT1 paracaspase; plus strand). Cytogenetic location: 18q21.32.
Variant type: Insertion.
Coding change: c.1661_1662insTTTTTTTTTTTTTTTTTNNNNNNNNNNGGCAGGGAGGTTGCAGTGAGCCGAGATGGCAGCAGTACAGTCCAGCTTCGGCTCCGCATGAGAGGGAGACCGTGGGGAGAGGGAGACAGAGCTCGAAGTAGTTT on transcript NM_006785.4 (MANE Select); coding-DNA positions 1661 to 1662, TTTTTTTTTTTTTTTTTNNNNNNNNNNGGCAGGGAGGTTGCAGTGAGCCGAGATGGCAGCAGTACAGTCCAGCTTCGGCTCCGCATGAGAGGGAGACCGTGGGGAGAGGGAGACAGAGCTCGAAGTAGTTT inserted.
Protein change: p.Leu554delinsPhePhePhePhePhePheXaaXaaXaaXaaAlaGlyArgLeuGlnTer.
Molecular consequence: nonsense.
Genome position: GRCh38: chr18:58,741,922-58,741,923. GRCh37 (hg19): chr18:56,409,154-56,409,155.
Other names: c.1628_1629insTTTTTTTTTTTTTTTTTNNNNNNNNNNGGCAGGGAGGTTGCAGTGAGCCGAGATGGCAGCAGTACAGTCCAGCTTCGGCTCCGCATGAGAGGGAGACCGTGGGGAGAGGGAGACAGAGCTCGAAGTAGTTT, p.Leu543delinsPhePhePhePhePhePheXaaXaaXaaXaaAlaGlyArgLeuGlnTer (NM_173844.3).
Identifiers: ClinVar variation 1458444 (VCV001458444.6), dbSNP rs2144484668.

ClinVar aggregate classification (germline): Pathogenic (1 of 4 stars; one submission).

Conditions:
Combined immunodeficiency due to MALT1 deficiency. Also called: Immunodeficiency 12. Identifiers: Orphanet 397964, MedGen C3809583, MONDO:0014197, OMIM 615468.

Submission:

Labcorp Genetics (formerly Invitae), Labcorp
Classification: Pathogenic for Combined immunodeficiency due to MALT1 deficiency. Last evaluated: 2021-04-22. Review status: criteria provided, single submitter. Criteria: Invitae Variant Classification Sherloc (09022015). Collection method: clinical testing. Allele origin: germline.
Comment: For these reasons, this variant has been classified as Pathogenic. Retrotransposon insertions including LINE1 (L1), Alu, and SVA (SINE-VNTR-Alu) have been reported to be disease-causing through disruption of either a coding region or splice site (PMID: 19763152, 20307669, 22406018) and loss-of-function variants in MALT1 are known to be pathogenic (PMID: 23727036, 25627829). This variant has not been reported in the literature in individuals with MALT1-related conditions. This variant is not present in population databases (ExAC no frequency). This sequence change inserts a large fragment of DNA, likely a transposable element, in exon 14 of the MALT1 gene (c.1661_1662ins?), causing a frameshift at codon 554 (p.Leu554fs). The exact size and sequence of the insertion cannot be determined by the current assay. However, the insertion is expected to result in an absent or disrupted protein product.

Literature cited by the submitters: PubMed 19763152; PubMed 20307669; PubMed 22406018; PubMed 23727036; PubMed 25627829.